The following is an entry in ClinVar:

ClinVar aggregate classification (germline): Uncertain significance (1 of 4 stars; one submission).

Conditions:
Cone-rod dystrophy 2 (CORD2). Also called: Cone-rod retinal dystrophy 2; CONE-ROD RETINAL DYSTROPHY. Identifiers: Orphanet 1872, MedGen C3489532, MONDO:0007362, OMIM 120970.
Leber congenital amaurosis 7 (LCA7). Identifiers: Orphanet 65, MedGen C3151192, MONDO:0013449, OMIM 613829.

Submission:

Labcorp Genetics (formerly Invitae), Labcorp
Classification: Uncertain significance for Cone-rod dystrophy 2; Leber congenital amaurosis 7. Last evaluated: 2022-04-29. Review status: criteria provided, single submitter. Criteria: Invitae Variant Classification Sherloc (09022015). Collection method: clinical testing. Allele origin: germline.
Comment: In summary, the available evidence is currently insufficient to determine the role of this variant in disease. Therefore, it has been classified as a Variant of Uncertain Significance. Algorithms developed to predict the effect of missense changes on protein structure and function (SIFT, PolyPhen-2, Align-GVGD) all suggest that this variant is likely to be disruptive. This variant has not been reported in the literature in individuals affected with CRX-related conditions. This variant is not present in population databases (gnomAD no frequency). This sequence change replaces threonine, which is neutral and polar, with alanine, which is neutral and non-polar, at codon 45 of the CRX protein (p.Thr45Ala).

NM_000554.6(CRX):c.133A>G (p.Thr45Ala)

Gene: CRX (cone-rod homeobox; plus strand). Cytogenetic location: 19q13.33.
Variant type: single nucleotide variant.
Coding change: c.133A>G on transcript NM_000554.6 (MANE Select); coding-DNA position 133, A replaced by G.
Protein change: p.Thr45Ala; replaces threonine 45 with alanine.
Molecular consequence: missense variant.
Genome position (GRCh38, 1-based): chr19:47,836,275, A>G. VCF-style: chr19-47836275-A-G. GRCh37 (hg19) VCF-style: chr19-48339532-A-G.
Other names: short protein forms T45A.
Identifiers: ClinVar variation 2420989 (VCV002420989.6), dbSNP rs2514252159, ClinGen allele CA406629469.